The following is an entry in ClinVar:

NM_001384317.1(ZHX3):c.804A>C (p.Ile268=)

Gene: ZHX3 (zinc fingers and homeoboxes 3; minus strand). Cytogenetic location: 20q12.
Variant type: single nucleotide variant.
Coding change: c.804A>C on transcript NM_001384317.1 (MANE Select); coding-DNA position 804, A replaced by C.
Protein change: p.Ile268=; no amino-acid change (isoleucine 268 retained).
Molecular consequence: synonymous variant.
Genome position (GRCh38, 1-based): chr20:41,204,113, T>G on the plus strand (A>C on the coding strand, the complement: ZHX3 is on the minus strand). VCF-style: chr20-41204113-T-G. GRCh37 (hg19) VCF-style: chr20-39832753-T-G.
Other names: c.804A>C, p.Ile268= (NM_001384315.1, NM_001384316.1, NM_001384318.1 and 8 more transcripts).
Identifiers: ClinVar variation 3351979 (VCV003351979.1).

ClinVar aggregate classification (germline): Likely benign (0 of 4 stars; one submission).

Conditions:
ZHX3-related disorder. Also called: ZHX3-related condition.

gnomAD v4.1: 31 of 1,605,766 alleles (0.0019%); highest among the groups gnomAD compares: Non-Finnish European, 0.0026%; no homozygotes.

Submission:

PreventionGenetics, part of Exact Sciences
Classification: Likely benign for ZHX3-related condition. Last evaluated: 2024-08-12. Review status: no assertion criteria provided. Collection method: clinical testing. Allele origin: germline.
Comment: This variant is classified as likely benign based on ACMG/AMP sequence variant interpretation guidelines (Richards et al. 2015 PMID: 25741868, with internal and published modifications).